The following is an entry in ClinVar:

ClinVar aggregate classification (germline): Uncertain significance (1 of 4 stars; one submission).

gnomAD v4.1: 3 of 1,613,314 alleles (0.00019%); highest among the groups gnomAD compares: Admixed American, 0.0017%; no homozygotes.

Submission:

Labcorp Genetics (formerly Invitae), Labcorp
Classification: Uncertain significance. Last evaluated: 2025-12-20. Review status: criteria provided, single submitter. Criteria: Invitae Variant Classification Sherloc (09022015). Collection method: clinical testing. Allele origin: germline.
Comment: This sequence change replaces arginine, which is basic and polar, with leucine, which is neutral and non-polar, at codon 66 of the PEPD protein (p.Arg66Leu). This variant is not present in population databases (gnomAD no frequency). This variant has not been reported in the literature in individuals affected with PEPD-related conditions. ClinVar contains an entry for this variant (Variation ID: 1521386). Invitae Evidence Modeling of protein sequence and biophysical properties (such as structural, functional, and spatial information, amino acid conservation, physicochemical variation, residue mobility, and thermodynamic stability) has been performed for this missense variant. However, the output from this modeling did not meet the statistical confidence thresholds required to predict the impact of this variant on PEPD protein function. In summary, the available evidence is currently insufficient to determine the role of this variant in disease. Therefore, it has been classified as a Variant of Uncertain Significance.

NM_000285.4(PEPD):c.197G>T (p.Arg66Leu)

Gene: PEPD (peptidase D; minus strand). Cytogenetic location: 19q13.11.
Variant type: single nucleotide variant.
Coding change: c.197G>T on transcript NM_000285.4 (MANE Select); coding-DNA position 197, G replaced by T.
Protein change: p.Arg66Leu; replaces arginine 66 with leucine.
Molecular consequence: missense variant.
Genome position (GRCh38, 1-based): chr19:33,512,597, C>A on the plus strand (G>T on the coding strand, the complement: PEPD is on the minus strand). VCF-style: chr19-33512597-C-A. GRCh37 (hg19) VCF-style: chr19-34003503-C-A.
Other names: c.197G>T, p.Arg66Leu (NM_001166056.2, NM_001166057.2); short protein forms R66L.
Identifiers: ClinVar variation 1521386 (VCV001521386.4), dbSNP rs753859371, ClinGen allele CA405232864.
Genomic context (GRCh38, chr19:33,512,597, plus strand): 5'-CAGGACAGCAGCACCATCACACACCTGCTCACTTGTGGCCAAGCGGGGAGGCTCACCTGG[C>A]GGAAGAGGACCCCGGTGTCGGTGCAGTAGCGCTGAGTCTCCTCCCCGCCCTGCAGGACCA-3'
Protein context (NP_000276.2, residues 56-76): RYCTDTGVLF[Arg66Leu]QESFFHWAFG